The following is an entry in ClinVar:

NM_004304.5(ALK):c.1414C>T (p.Arg472Trp)

Gene: ALK (ALK receptor tyrosine kinase; minus strand). Cytogenetic location: 2p23.2.
Variant type: single nucleotide variant.
Coding change: c.1414C>T on transcript NM_004304.5 (MANE Select); coding-DNA position 1414, C replaced by T.
Protein change: p.Arg472Trp; replaces arginine 472 with tryptophan.
Molecular consequence: missense variant.
Genome position (GRCh38, 1-based): chr2:29,328,350, G>A on the plus strand (C>T on the coding strand, the complement: ALK is on the minus strand). VCF-style: chr2-29328350-G-A. GRCh37 (hg19) VCF-style: chr2-29551216-G-A.
Other names: short protein forms R472W.
Identifiers: ClinVar variation 470751 (VCV000470751.10), dbSNP rs749263944, ClinGen allele CA1594666.

ClinVar aggregate classification (germline): Uncertain significance. Review status: criteria provided, multiple submitters, no conflicts (2 of 4 stars). 3 submissions from 3 submitters: Uncertain significance (3). Last evaluated 2025-12-17.

Conditions:
Neuroblastoma, susceptibility to, 3. Also called: ALK-Related Neuroblastic Tumor Susceptibility. Identifiers: Orphanet 635, MedGen C2751681, MONDO:0013083, OMIM 613014.
Hereditary cancer-predisposing syndrome. Also called: Hereditary neoplastic syndrome; Neoplastic Syndromes, Hereditary; Tumor predisposition; Hereditary Cancer Syndrome. Identifiers: Orphanet 140162, MedGen C0027672, MeSH D009386, MONDO:0015356.

Allele frequency attached by ClinVar (database versions not stated): ExAC 0.00001.
gnomAD v4.1: 7 of 1,614,106 alleles (0.00043%); highest among the groups gnomAD compares: Admixed American, 0.0033%; no homozygotes.

Submissions (3):

Labcorp Genetics (formerly Invitae), Labcorp
Classification: Uncertain significance for Neuroblastoma, susceptibility to, 3. Last evaluated: 2025-12-17. Review status: criteria provided, single submitter. Criteria: Invitae Variant Classification Sherloc (09022015). Collection method: clinical testing. Allele origin: germline.
Comment: This sequence change replaces arginine, which is basic and polar, with tryptophan, which is neutral and slightly polar, at codon 472 of the ALK protein (p.Arg472Trp). This variant is present in population databases (rs749263944, gnomAD 0.01%). This variant has not been reported in the literature in individuals affected with ALK-related conditions. ClinVar contains an entry for this variant (Variation ID: 470751). An algorithm developed to predict the effect of missense changes on protein structure and function (PolyPhen-2) suggests that this variant is likely to be tolerated. In summary, the available evidence is currently insufficient to determine the role of this variant in disease. Therefore, it has been classified as a Variant of Uncertain Significance.

Ambry Genetics
Classification: Uncertain significance for Hereditary cancer-predisposing syndrome. Last evaluated: 2025-02-28. Review status: criteria provided, single submitter. Criteria: Ambry Variant Classification Scheme 2023. Collection method: clinical testing. Allele origin: germline.
Comment: The p.R472W variant (also known as c.1414C>T), located in coding exon 6 of the ALK gene, results from a C to T substitution at nucleotide position 1414. The amino acid change results in arginine to tryptophan at codon 472, an amino acid with dissimilar properties. This change occurs in the last base pair of coding exon 6. This amino acid position is poorly conserved in available vertebrate species. In addition, this alteration is predicted to be tolerated by in silico analysis. Based on the available evidence, the clinical significance of this variant remains unclear.

Baylor Genetics
Classification: Uncertain significance for Neuroblastoma, susceptibility to, 3. Last evaluated: 2023-09-05. Review status: criteria provided, single submitter. Criteria: ACMG Guidelines, 2015. Collection method: clinical testing. Allele origin: unknown.